The following is an entry in ClinVar:

ClinVar aggregate classification (germline): Uncertain significance. Review status: criteria provided, multiple submitters, no conflicts (2 of 4 stars). 6 submissions from 6 submitters: Uncertain significance (6). Last evaluated 2026-07-27.

Conditions:
TRPV4-related disorder. Also called: TRPV4-related disorders; TRPV4-related condition.
Connective tissue disorder. Also called: Connective tissue disease. Identifiers: MedGen C0009782, MONDO:0003900.
Charcot-Marie-Tooth disease axonal type 2C (HMSN2C). Also called: CHARCOT-MARIE-TOOTH DISEASE, AXONAL, AUTOSOMAL DOMINANT, TYPE 2C; Charcot-Marie-Tooth Neuropathy Type 2C; Charcot-Marie-Tooth Disease Type 2, TRPV4-Related (CMT2C). Identifiers: Orphanet 99937, MedGen C1853710, MONDO:0011633, OMIM 606071.

Submissions (6):

PreventionGenetics, part of Exact Sciences
Classification: Uncertain significance for TRPV4-related condition. Last evaluated: 2026-07-27. Review status: criteria provided, single submitter. Criteria: ACMG Guidelines, 2015. Collection method: clinical testing. Allele origin: germline.
Comment: The TRPV4 c.1576_1578delTTC variant is predicted to result in an in-frame deletion (p.Phe526del). To our knowledge, this variant has not been reported in the literature. This variant is reported in 0.0037% of alleles in individuals of European (Non-Finnish) descent in gnomAD. At this time, the clinical significance of this variant is uncertain due to the absence of conclusive functional and genetic evidence.

Labcorp Genetics (formerly Invitae), Labcorp
Classification: Uncertain significance for Charcot-Marie-Tooth disease axonal type 2C. Last evaluated: 2025-11-03. Review status: criteria provided, single submitter. Criteria: Invitae Variant Classification Sherloc (09022015). Collection method: clinical testing. Allele origin: germline.
Comment: This variant, c.1576_1578del, results in the deletion of 1 amino acid(s) of the TRPV4 protein (p.Phe526del), but otherwise preserves the integrity of the reading frame. This variant is present in population databases (no rsID available, gnomAD 0.003%). This variant has not been reported in the literature in individuals affected with TRPV4-related conditions. ClinVar contains an entry for this variant (Variation ID: 955652). Experimental studies and prediction algorithms are not available or were not evaluated, and the functional significance of this variant is currently unknown. In summary, the available evidence is currently insufficient to determine the role of this variant in disease. Therefore, it has been classified as a Variant of Uncertain Significance.

GeneDx
Classification: Uncertain significance. Last evaluated: 2025-02-03. Review status: criteria provided, single submitter. Criteria: GeneDx Variant Classification Process June 2021. Collection method: clinical testing. Allele origin: germline. Affected: yes.
Comment: Not observed at significant frequency in large population cohorts (gnomAD); In-frame deletion of 1 amino acid(s) in a non-repeat region; In silico analysis supports a deleterious effect on protein structure/function; Has not been previously published as pathogenic or benign to our knowledge

ARUP Laboratories, Molecular Genetics and Genomics, ARUP Laboratories
Classification: Uncertain significance. Last evaluated: 2025-01-08. Review status: criteria provided, single submitter. Criteria: ARUP Molecular Germline Variant Investigation Process 2024. Collection method: clinical testing. Allele origin: germline.
Comment: The TRPV4 c.1576_1578del; p.Phe526del variant (rs1393630996), to our knowledge, is not reported in the medical literature but is reported in ClinVar (Variation ID: 955652). This variant is found in the general population with an overall allele frequency of 0.002% (5/241,216 alleles) in the Genome Aggregation Database (v2.1.1). This variant deletes a single phenylalanine residue leaving the rest of the protein in-frame. Due to limited information, the clinical significance of this variant is uncertain at this time.

Mayo Clinic Laboratories, Mayo Clinic
Classification: Uncertain significance. Last evaluated: 2024-12-30. Review status: criteria provided, single submitter. Criteria: ACMG Guidelines, 2015. Collection method: clinical testing. Allele origin: germline. Observed: 1 variant allele.
Comment: PM4

Genome Diagnostics Laboratory, The Hospital for Sick Children
Classification: Uncertain significance for Connective tissue disorder. Last evaluated: 2022-03-17. Review status: criteria provided, single submitter. Criteria: ACMG Guidelines, 2015. Collection method: clinical testing. Allele origin: germline.

NM_021625.5(TRPV4):c.1570TTC[2] (p.Phe526del)

Gene: TRPV4 (transient receptor potential cation channel subfamily V member 4; minus strand). Cytogenetic location: 12q24.11.
Variant type: Microsatellite.
Coding change: c.1570TTC[2] on transcript NM_021625.5 (MANE Select); two copies in a row of the 3-base unit TTC starting at c.1570; the reference has three copies in a row; one copy, 3 bases deleted; also written c.1576_1578del.
Protein change: p.Phe526del; deletes phenylalanine 526.
Molecular consequence: inframe indel (on NM_021625.4).
Genome position (GRCh38, 1-based): chr12:109,793,936-109,793,938, GAA deleted on the plus strand (TTC on the coding strand, the reverse complement: TRPV4 is on the minus strand); deleting any 3 consecutive bases within chr12:109,793,936-109,793,944 gives the same sequence; the position shown is the placement nearest the transcript's 3' end. VCF-style (leftmost placement, unchanged base first): chr12-109793935-TGAA-T. GRCh37 (hg19) VCF-style: chr12-110231740-TGAA-T.
Other names: p.Phe526del; c.1576_1578delTTC (NM_021625.4); c.1429_1431TTC[2], p.Phe479del (NM_001177428.2); c.1468_1470TTC[2], p.Phe492del (NM_001177431.2); c.1576_1578del (NM_021625.4, NM_021625.5); c.1249_1251TTC[2], p.Phe419del (NM_001177433.2); c.1390_1392TTC[2], p.Phe466del (NM_147204.3); short protein forms F479del, F419del, F466del, F492del, F526del.
Identifiers: ClinVar variation 955652 (VCV000955652.15), dbSNP rs1393630996, ClinGen allele CA607602038.